The following is an entry in ClinVar:

ClinVar aggregate classification (germline): Uncertain significance (1 of 4 stars; one submission).

Allele frequency attached by ClinVar (database versions not stated): gnomAD exomes below 0.00001 and 0.00001; ExAC 0.00001; TOPMed 0.00001.
gnomAD v4.1: 3 of 1,600,164 alleles (0.00019%); highest among the groups gnomAD compares: Non-Finnish European, 0.00026%; no homozygotes.

Submission:

Labcorp Genetics (formerly Invitae), Labcorp
Classification: Uncertain significance. Last evaluated: 2021-09-01. Review status: criteria provided, single submitter. Criteria: Invitae Variant Classification Sherloc (09022015). Collection method: clinical testing. Allele origin: germline.
Comment: This sequence change replaces valine with leucine at codon 152 of the NDUFB8 protein (p.Val152Leu). The valine residue is weakly conserved and there is a small physicochemical difference between valine and leucine. This variant is present in population databases (rs763076321, ExAC 0.002%). This variant has not been reported in the literature in individuals affected with NDUFB8-related conditions. Algorithms developed to predict the effect of missense changes on protein structure and function (SIFT, PolyPhen-2, Align-GVGD) all suggest that this variant is likely to be tolerated. In summary, the available evidence is currently insufficient to determine the role of this variant in disease. Therefore, it has been classified as a Variant of Uncertain Significance.

NM_005004.4(NDUFB8):c.454G>C (p.Val152Leu)

Gene: NDUFB8 (NADH:ubiquinone oxidoreductase subunit B8; minus strand). Cytogenetic location: 10q24.31.
Variant type: single nucleotide variant.
Coding change: c.454G>C on transcript NM_005004.4 (MANE Select); coding-DNA position 454, G replaced by C.
Protein change: p.Val152Leu; replaces valine 152 with leucine.
Molecular consequence: missense variant.
Genome position (GRCh38, 1-based): chr10:100,526,413, C>G on the plus strand (G>C on the coding strand, the complement: NDUFB8 is on the minus strand). VCF-style: chr10-100526413-C-G. GRCh37 (hg19) VCF-style: chr10-102286170-C-G.
Other names: c.454G>C, p.Val152Leu (NM_001284367.2); c.361G>C, p.Val121Leu (NM_001284368.1); short protein forms V121L, V152L.
Identifiers: ClinVar variation 1465946 (VCV001465946.6), dbSNP rs763076321, ClinGen allele CA5650142.
Genomic context (GRCh38, chr10:100,526,413, plus strand): 5'-TGGGGCTAAGCAAGCGTGCCTAAGGGAGCACTTCTCGGATACTCACCACAGGCTGGTAGA[C>G]AGGGTACACGTCCCCCACCCAGCACATGAATATCATGAAAGCCAGGAAACCGAAGAGCTG-3'
Protein context (NP_004995.1, residues 142-162): FMCWVGDVYP[Val152Leu]YQPVGPKQYP